The following is an entry in ClinVar:

NM_018474.6(KIZ):c.208G>A (p.Glu70Lys)

Gene: KIZ (kizuna centrosomal protein; plus strand). Cytogenetic location: 20p11.23.
Variant type: single nucleotide variant.
Coding change: c.208G>A on transcript NM_018474.6 (MANE Select); coding-DNA position 208, G replaced by A.
Protein change: p.Glu70Lys; replaces glutamic acid 70 with lysine.
Molecular consequence: missense variant. On other transcripts: 5 prime UTR variant (1), intron variant (4).
Genome position (GRCh38, 1-based): chr20:21,136,445, G>A. VCF-style: chr20-21136445-G-A. GRCh37 (hg19) VCF-style: chr20-21117086-G-A.
Other names: c.208G>A, p.Glu70Lys (NM_001352434.2); c.-179G>A (NM_001352436.2); c.169-9120G>A (NM_001276389.2); c.6+4286G>A (NM_001163022.3, NM_001352435.2, NM_001163023.3); short protein forms E70K.
Identifiers: ClinVar variation 1008912 (VCV001008912.7), dbSNP rs2032192670, ClinGen allele CA408488446.

ClinVar aggregate classification (germline): Uncertain significance (1 of 4 stars; one submission).

Allele frequency attached by ClinVar (database versions not stated): gnomAD exomes below 0.00001.
gnomAD v4.1: 2 of 1,574,466 alleles (0.00013%); highest among the groups gnomAD compares: Non-Finnish European, 0.000087%; no homozygotes.

Submission:

Labcorp Genetics (formerly Invitae), Labcorp
Classification: Uncertain significance. Last evaluated: 2020-07-30. Review status: criteria provided, single submitter. Criteria: Invitae Variant Classification Sherloc (09022015). Collection method: clinical testing. Allele origin: germline.
Comment: In summary, the available evidence is currently insufficient to determine the role of this variant in disease. Therefore, it has been classified as a Variant of Uncertain Significance. Experimental studies and prediction algorithms are not available or were not evaluated, and the functional significance of this variant is currently unknown. This variant has not been reported in the literature in individuals with KIZ-related conditions. This variant is not present in population databases (ExAC no frequency). This sequence change replaces glutamic acid with lysine at codon 70 of the KIZ protein (p.Glu70Lys). The glutamic acid residue is highly conserved and there is a small physicochemical difference between glutamic acid and lysine.